The following is an entry in ClinVar:

ClinVar aggregate classification (germline): Likely pathogenic (1 of 4 stars; one submission).

Conditions:
Spondyloenchondrodysplasia with immune dysregulation (SPENCDI). Also called: COMBINED IMMUNODEFICIENCY WITH AUTOIMMUNITY AND SPONDYLOMETAPHYSEAL DYSPLASIA; ROIFMAN IMMUNOSKELETAL SYNDROME; SPONDYLOENCHONDRODYSPLASIA WITH OR WITHOUT IMMUNE DYSREGULATION. Identifiers: Orphanet 1855, MedGen C1842763, MONDO:0011939, OMIM 607944.

Submission:

Next Generation Genetic Polyclinic
Classification: Likely pathogenic for Spondyloenchondrodysplasia with immune dysregulation. Last evaluated: 2025-04-20. Review status: criteria provided, single submitter. Criteria: ACMG Guidelines, 2015. Collection method: curation. Allele origin: germline. Affected: yes. Observed: 1 variant allele.
Comment: A novel frameshift deletion in the ACP5 gene (c.566del) was identified by curation in a homozygous state. This variant is classified as Likely Pathogenic based on its predicted impact on the protein and absence from population databases.

NM_001611.5(ACP5):c.566del (p.Lys189fs)

Gene: ACP5 (acid phosphatase 5, tartrate resistant; minus strand). Cytogenetic location: 19p13.2.
Variant type: Deletion.
Coding change: c.566del on transcript NM_001611.5 (MANE Select); coding-DNA position 566, one base deleted (A; older notation c.566delA).
Protein change: p.Lys189fs; shifts the reading frame from lysine 189.
Molecular consequence: frameshift variant.
Genome position (GRCh38, 1-based): chr19:11,576,412, T deleted on the plus strand (A on the coding strand, the reverse complement: ACP5 is on the minus strand); the first of 2 consecutive T bases (chr19:11,576,412-11,576,413); deleting either gives the same sequence. VCF-style (leftmost placement, unchanged base first): chr19-11576411-CT-C. GRCh37 (hg19) VCF-style: chr19-11687226-CT-C.
Other names: c.566del, p.Lys189fs (NM_001111034.3, NM_001111035.3, NM_001111036.3 and 1 more transcripts); short protein forms K189fs.
Identifiers: ClinVar variation 4071536 (VCV004071536.1).
Genomic context (GRCh38, chr19:11,576,411, plus strand): 5'-CCACACGGGGTAGTGGCCAGCCACCAGCACGTAGTCCTCCCTGGCCGCCGCCAGCTGTTT[CT>C]TGAGCCAGGACAGCTGTGTGCGGGCCAGCTTCACGTCTCGGGGCCTCTCAGGCTGCTGGC-3'